The following is an entry in ClinVar:

NM_001371986.1(UNC80):c.7168G>A (p.Glu2390Lys)

Gene: UNC80 (unc-80 homolog, NALCN channel complex subunit; plus strand). Cytogenetic location: 2q34.
Variant type: single nucleotide variant.
Coding change: c.7168G>A on transcript NM_001371986.1 (MANE Select); coding-DNA position 7168, G replaced by A.
Protein change: p.Glu2390Lys; replaces glutamic acid 2390 with lysine.
Molecular consequence: missense variant.
Genome position (GRCh38, 1-based): chr2:209,945,168, G>A. VCF-style: chr2-209945168-G-A. GRCh37 (hg19) VCF-style: chr2-210809892-G-A.
Other names: c.6970G>A, p.Glu2324Lys (NM_032504.2); c.6955G>A, p.Glu2319Lys (NM_182587.4); short protein forms E2319K, E2324K, E2390K.
Identifiers: ClinVar variation 2002583 (VCV002002583.1), dbSNP rs2471178890, ClinGen allele CA350774112.
Genomic context (GRCh38, chr2:209,945,168, plus strand): 5'-CTGCAGTCCCTAGAGGGAGAGACCACCGACATATTAGACATCTTAGAGCTGGTCAAAGCT[G>A]AGAAGCCTCTCAAGTCATTAGGTAAAAGCAAAACTTGCTTTGACATTCTTTTTCTCACTG-3'
Protein context (NP_001358915.1, residues 2380-2400): ILDILELVKA[Glu2390Lys]KPLKSLDFCY

ClinVar aggregate classification (germline): Uncertain significance (1 of 4 stars; one submission).

Allele frequency attached by ClinVar (database versions not stated): gnomAD exomes below 0.00001.
gnomAD v4.1: 1 of 1,550,780 alleles (0.000064%); highest among the groups gnomAD compares: Non-Finnish European, 0.000087%; no homozygotes.

Submission:

Labcorp Genetics (formerly Invitae), Labcorp
Classification: Uncertain significance. Last evaluated: 2022-06-07. Review status: criteria provided, single submitter. Criteria: Invitae Variant Classification Sherloc (09022015). Collection method: clinical testing. Allele origin: germline.
Comment: This sequence change replaces glutamic acid, which is acidic and polar, with lysine, which is basic and polar, at codon 2324 of the UNC80 protein (p.Glu2324Lys). This variant is not present in population databases (gnomAD no frequency). This variant has not been reported in the literature in individuals affected with UNC80-related conditions. Algorithms developed to predict the effect of missense changes on protein structure and function are either unavailable or do not agree on the potential impact of this missense change (SIFT: "Not Available"; PolyPhen-2: "Probably Damaging"; Align-GVGD: "Not Available"). In summary, the available evidence is currently insufficient to determine the role of this variant in disease. Therefore, it has been classified as a Variant of Uncertain Significance.